The following is an entry in ClinVar:

NM_000334.4(SCN4A):c.3859C>T (p.Leu1287Phe)

Genes: GH-LCR (growth hormone locus control region; plus strand), SCN4A (sodium voltage-gated channel alpha subunit 4; minus strand). Cytogenetic location: 17q23.3.
Variant type: single nucleotide variant.
Coding change: c.3859C>T on transcript NM_000334.4 (MANE Select); coding-DNA position 3859, C replaced by T.
Protein change: p.Leu1287Phe; replaces leucine 1287 with phenylalanine.
Molecular consequence: missense variant.
Genome position (GRCh38, 1-based): chr17:63,944,726, G>A on the plus strand (C>T on the coding strand, the complement: SCN4A is on the minus strand). VCF-style: chr17-63944726-G-A. GRCh37 (hg19) VCF-style: chr17-62022086-G-A.
Other names: short protein forms L1287F.
Identifiers: ClinVar variation 4854783 (VCV004854783.1).

ClinVar aggregate classification (germline): Uncertain significance (1 of 4 stars; one submission).

Conditions:
Congenital myopathy 22B, severe fetal (CMYO22B). Identifiers: MedGen C5830501, MONDO:0957265, OMIM 620369.

gnomAD v4.1: 1 of 1,613,210 alleles (0.000062%); highest among the groups gnomAD compares: Admixed American, 0.0017%; no homozygotes.

Submission:

3billion
Classification: Uncertain significance for Congenital myopathy 22B, severe fetal. Last evaluated: 2025-07-28. Review status: criteria provided, single submitter. Criteria: ACMG Guidelines, 2015. Collection method: clinical testing. Allele origin: germline. Affected: yes.
Comment: The variant is observed at an extremely low frequency in the gnomAD v4.1.0 dataset (total allele frequency: <0.001%). Predicted Consequence/Location: Missense variant In silico tool predictions suggest damaging effect of the variant on gene or gene product [REVEL: 0.96 (>=0.6, sensitivity 0.68 and specificity 0.92); 3Cnet: 0.99 (> 0.75, sensitivity 0.96 and precision 0.92)]. Therefore, this variant is classified as VUS according to the recommendation of ACMG/AMP guideline.